The following is an entry in ClinVar:

ClinVar aggregate classification (germline): Uncertain significance. Review status: criteria provided, multiple submitters, no conflicts (2 of 4 stars). 2 submissions from 2 submitters: Uncertain significance (2). Last evaluated 2025-03-04.

Conditions:
Cardiovascular phenotype. Identifiers: MedGen CN230736.
Dilated cardiomyopathy 1KK (CMD1KK). Identifiers: Orphanet 154, Orphanet 75249, MedGen C3714995, MONDO:0014100, OMIM 615248.

Allele frequency attached by ClinVar (database versions not stated): gnomAD exomes below 0.00001.
gnomAD v4.1: 3 of 1,614,132 alleles (0.00019%); highest among the groups gnomAD compares: Non-Finnish European, 0.00025%; no homozygotes.

Submissions (2):

Ambry Genetics
Classification: Uncertain significance for Cardiovascular phenotype. Last evaluated: 2025-03-04. Review status: criteria provided, single submitter. Criteria: Ambry Variant Classification Scheme 2023. Collection method: clinical testing. Allele origin: germline.
Comment: The p.P574A variant (also known as c.1720C>G), located in coding exon 9 of the MYPN gene, results from a C to G substitution at nucleotide position 1720. The proline at codon 574 is replaced by alanine, an amino acid with highly similar properties. This amino acid position is conserved. In addition, this alteration is predicted to be tolerated by in silico analysis. Based on the available evidence, the clinical significance of this variant remains unclear.

Labcorp Genetics (formerly Invitae), Labcorp
Classification: Uncertain significance for Dilated cardiomyopathy 1KK. Last evaluated: 2022-03-14. Review status: criteria provided, single submitter. Criteria: Invitae Variant Classification Sherloc (09022015). Collection method: clinical testing. Allele origin: germline.
Comment: In summary, the available evidence is currently insufficient to determine the role of this variant in disease. Therefore, it has been classified as a Variant of Uncertain Significance. Algorithms developed to predict the effect of missense changes on protein structure and function (SIFT, PolyPhen-2, Align-GVGD) all suggest that this variant is likely to be tolerated. This variant has not been reported in the literature in individuals affected with MYPN-related conditions. This variant is present in population databases (no rsID available, gnomAD 0.002%). This sequence change replaces proline, which is neutral and non-polar, with alanine, which is neutral and non-polar, at codon 574 of the MYPN protein (p.Pro574Ala).

NM_032578.4(MYPN):c.1720C>G (p.Pro574Ala)

Gene: MYPN (myopalladin; plus strand). Cytogenetic location: 10q21.3.
Variant type: single nucleotide variant.
Coding change: c.1720C>G on transcript NM_032578.4 (MANE Select); coding-DNA position 1720, C replaced by G.
Protein change: p.Pro574Ala; replaces proline 574 with alanine.
Molecular consequence: missense variant. On other transcripts: non-coding transcript variant (2).
Genome position (GRCh38, 1-based): chr10:68,166,413, C>G. VCF-style: chr10-68166413-C-G. GRCh37 (hg19) VCF-style: chr10-69926170-C-G.
Other names: c.1720C>G, p.Pro574Ala (NM_001256267.2); c.838C>G, p.Pro280Ala (NM_001256268.2); c.1720C>G (NM_032578.2); short protein forms P574A, P280A.
Identifiers: ClinVar variation 1955577 (VCV001955577.6), dbSNP rs1227712777, ClinGen allele CA376839898.